The following is an entry in ClinVar:

NM_001165963.4(SCN1A):c.2499del (p.Asn833fs)

Gene: SCN1A (sodium voltage-gated channel alpha subunit 1; minus strand). Cytogenetic location: 2q24.3.
Variant type: Deletion.
Coding change: c.2499del on transcript NM_001165963.4 (MANE Select); coding-DNA position 2499, one base deleted (T; older notation c.2499delT).
Protein change: p.Asn833fs; shifts the reading frame from asparagine 833.
Molecular consequence: frameshift variant. On other transcripts: non-coding transcript variant (1).
Genome position (GRCh38, 1-based): chr2:166,039,513, A deleted on the plus strand (T on the coding strand, the reverse complement: SCN1A is on the minus strand). VCF-style (leftmost placement, unchanged base first): chr2-166039512-TA-T. GRCh37 (hg19) VCF-style: chr2-166896022-TA-T.
Other names: c.2415del, p.Asn805fs (NM_001165964.3, NM_001353957.2, NM_001353958.2); c.2499del, p.Asn833fs (NM_001202435.3, NM_001353948.2); c.2466del, p.Asn822fs (NM_001353949.2, NM_001353950.2, NM_001353951.2 and 2 more transcripts); c.2463del, p.Asn821fs (NM_001353954.2, NM_001353955.2); c.2412del, p.Asn804fs (NM_001353960.2); c.57del, p.Asn19fs (NM_001353961.2); short protein forms N804fs, N805fs, N821fs, N822fs, N19fs, N833fs.
Identifiers: ClinVar variation 1417610 (VCV001417610.7), dbSNP rs2105817176, ClinGen allele CA2573133497.

ClinVar aggregate classification (germline): Pathogenic (1 of 4 stars; one submission).

Conditions:
Early-infantile DEE. Also called: Ohtahara syndrome; Early infantile epileptic encephalopathy with suppression bursts; Early infantile epileptic encephalopathy. Identifiers: Orphanet 1934, MedGen C0393706, MONDO:0800491.

Submission:

Labcorp Genetics (formerly Invitae), Labcorp
Classification: Pathogenic for Early-infantile DEE. Last evaluated: 2022-07-26. Review status: criteria provided, single submitter. Criteria: Invitae Variant Classification Sherloc (09022015). Collection method: clinical testing. Allele origin: germline.
Comment: For these reasons, this variant has been classified as Pathogenic. ClinVar contains an entry for this variant (Variation ID: 1417610). This variant has not been reported in the literature in individuals affected with SCN1A-related conditions. This variant is not present in population databases (gnomAD no frequency). This sequence change creates a premature translational stop signal (p.Asn833Lysfs*8) in the SCN1A gene. It is expected to result in an absent or disrupted protein product. Loss-of-function variants in SCN1A are known to be pathogenic (PMID: 17347258, 18930999).

Literature cited by the submitters: PubMed 17347258; PubMed 18930999.